The following is an entry in ClinVar:

NM_001376013.1(EPB41):c.776C>T (p.Ala259Val)

Gene: EPB41 (erythrocyte membrane protein band 4.1; plus strand). Cytogenetic location: 1p35.3.
Variant type: single nucleotide variant.
Coding change: c.776C>T on transcript NM_001376013.1 (MANE Select); coding-DNA position 776, C replaced by T.
Protein change: p.Ala259Val; replaces alanine 259 with valine.
Molecular consequence: missense variant. On other transcripts: intron variant (1).
Genome position (GRCh38, 1-based): chr1:28,997,309, C>T. VCF-style: chr1-28997309-C-T. GRCh37 (hg19) VCF-style: chr1-29323821-C-T.
Other names: c.776C>T, p.Ala259Val (NM_001376016.1, NM_001376017.1, NM_001376018.1 and 7 more transcripts); c.149C>T, p.Ala50Val (NM_001376022.1, NM_001376023.1, NM_001376024.1 and 7 more transcripts); c.681+3767C>T (NM_203343.3); short protein forms A259V, A50V.
Identifiers: ClinVar variation 1476745 (VCV001476745.8), dbSNP rs2149686920, ClinGen allele CA339525626.
Genomic context (GRCh38, chr1:28,997,309, plus strand): 5'-TATGTGAGCATCTCAATCTTTTGGAAGAAGACTATTTTGGTCTAGCCATTTGGGATAACG[C>T]AACCTCTAAGGTGAGGAGACTGCTTGCAATTTAAGAAGCTGACAAAAAATTTATTTTAAT-3'
Protein context (NP_001362942.1, residues 249-269): DYFGLAIWDN[Ala259Val]TSKTWLDSAK

ClinVar aggregate classification (germline): Uncertain significance. Review status: criteria provided, multiple submitters, no conflicts (2 of 4 stars). 2 submissions from 2 submitters: Uncertain significance (2). Last evaluated 2021-12-03.

Conditions:
Elliptocytosis 1 (EL1). Also called: 4.1- TRAIT; 4.1-MINUS TRAIT; ELLIPTOCYTOSIS, RHESUS-LINKED TYPE; PROTEIN 4.1 OF ERYTHROCYTE MEMBRANE, DEFECT OF. Identifiers: Orphanet 288, MedGen C2678497, MONDO:0012731, OMIM 611804.

gnomAD v4.1: 7 of 1,605,748 alleles (0.00044%); highest among the groups gnomAD compares: Non-Finnish European, 0.00051%; no homozygotes.

Submissions (2):

Labcorp Genetics (formerly Invitae), Labcorp
Classification: Uncertain significance. Last evaluated: 2021-12-03. Review status: criteria provided, single submitter. Criteria: Invitae Variant Classification Sherloc (09022015). Collection method: clinical testing. Allele origin: germline.
Comment: This variant is not present in population databases (gnomAD no frequency). Algorithms developed to predict the effect of missense changes on protein structure and function output the following: SIFT: "Tolerated"; PolyPhen-2: "Benign"; Align-GVGD: "Class C0". The valine amino acid residue is found in multiple mammalian species, which suggests that this missense change does not adversely affect protein function. Algorithms developed to predict the effect of sequence changes on RNA splicing suggest that this variant may create or strengthen a splice site. In summary, the available evidence is currently insufficient to determine the role of this variant in disease. Therefore, it has been classified as a Variant of Uncertain Significance. This sequence change replaces alanine, which is neutral and non-polar, with valine, which is neutral and non-polar, at codon 50 of the EPB41 protein (p.Ala50Val). This variant has not been reported in the literature in individuals affected with EPB41-related conditions.

Revvity Omics, Revvity
Classification: Uncertain significance for Elliptocytosis 1. Last evaluated: 2021-04-27. Review status: criteria provided, single submitter. Criteria: ACMG Guidelines, 2015. Collection method: clinical testing. Allele origin: germline.